The following is an entry in ClinVar:

ClinVar aggregate classification (germline): Uncertain significance (1 of 4 stars; one submission).

Conditions:
Werner syndrome (WRN). Identifiers: Orphanet 902, MedGen C0043119, MONDO:0010196, OMIM 277700.

Submission:

Labcorp Genetics (formerly Invitae), Labcorp
Classification: Uncertain significance for Werner syndrome. Last evaluated: 2022-01-28. Review status: criteria provided, single submitter. Criteria: Invitae Variant Classification Sherloc (09022015). Collection method: clinical testing. Allele origin: germline.
Comment: Algorithms developed to predict the effect of missense changes on protein structure and function are either unavailable or do not agree on the potential impact of this missense change (SIFT: "Not Available"; PolyPhen-2: "Benign"; Align-GVGD: "Not Available"). This sequence change replaces methionine, which is neutral and non-polar, with isoleucine, which is neutral and non-polar, at codon 497 of the WRN protein (p.Met497Ile). This variant is not present in population databases (gnomAD no frequency). This variant has not been reported in the literature in individuals affected with WRN-related conditions. ClinVar contains an entry for this variant (Variation ID: 1020128). In summary, the available evidence is currently insufficient to determine the role of this variant in disease. Therefore, it has been classified as a Variant of Uncertain Significance.

NM_000553.6(WRN):c.1491G>C (p.Met497Ile)

Gene: WRN (WRN RecQ like helicase; plus strand). Cytogenetic location: 8p12.
Variant type: single nucleotide variant.
Coding change: c.1491G>C on transcript NM_000553.6 (MANE Select); coding-DNA position 1491, G replaced by C.
Protein change: p.Met497Ile; replaces methionine 497 with isoleucine.
Molecular consequence: missense variant.
Genome position (GRCh38, 1-based): chr8:31,087,835, G>C. VCF-style: chr8-31087835-G-C. GRCh37 (hg19) VCF-style: chr8-30945351-G-C.
Other names: short protein forms M497I.
Identifiers: ClinVar variation 1020128 (VCV001020128.5), dbSNP rs1813592863, ClinGen allele CA370924420.